The following is an entry in ClinVar:

ClinVar aggregate classification (germline): Uncertain significance. Review status: criteria provided, multiple submitters, no conflicts (2 of 4 stars). 2 submissions from 2 submitters: Uncertain significance (2). Last evaluated 2025-12-26.

Conditions:
Primary dilated cardiomyopathy (DCM). Also called: Dilated Cardiomyopathy. Identifiers: Orphanet 217604, MedGen C0007193, MeSH D002311, MONDO:0005021, HP:0001644. Inheritance: Various modes of inheritance.

Allele frequency attached by ClinVar (database versions not stated): gnomAD 0.00001; TOPMed 0.00002; gnomAD exomes 0.00003 and 0.00001; ExAC 0.00002.
gnomAD v4.1: 15 of 1,582,320 alleles (0.00095%); highest among the groups gnomAD compares: East Asian, 0.031%; no homozygotes.

Submissions (2):

Labcorp Genetics (formerly Invitae), Labcorp
Classification: Uncertain significance for Primary dilated cardiomyopathy. Last evaluated: 2025-12-26. Review status: criteria provided, single submitter. Criteria: Invitae Variant Classification Sherloc (09022015). Collection method: clinical testing. Allele origin: germline.
Comment: This sequence change replaces isoleucine, which is neutral and non-polar, with threonine, which is neutral and polar, at codon 403 of the NEBL protein (p.Ile403Thr). This variant is present in population databases (rs766378863, gnomAD 0.04%). This variant has not been reported in the literature in individuals affected with NEBL-related conditions. ClinVar contains an entry for this variant (Variation ID: 645418). An algorithm developed to predict the effect of missense changes on protein structure and function (PolyPhen-2) suggests that this variant is likely to be tolerated. In summary, the available evidence is currently insufficient to determine the role of this variant in disease. Therefore, it has been classified as a Variant of Uncertain Significance.

Ambry Genetics
Classification: Uncertain significance. Last evaluated: 2023-11-09. Review status: criteria provided, single submitter. Criteria: Ambry Variant Classification Scheme 2023. Collection method: clinical testing. Allele origin: germline.

NM_006393.3(NEBL):c.1208T>C (p.Ile403Thr)

Gene: NEBL (nebulette; minus strand). Cytogenetic location: 10p12.31.
Variant type: single nucleotide variant.
Coding change: c.1208T>C on transcript NM_006393.3 (MANE Select); coding-DNA position 1208, T replaced by C.
Protein change: p.Ile403Thr; replaces isoleucine 403 with threonine.
Molecular consequence: missense variant. On other transcripts: intron variant (9).
Genome position (GRCh38, 1-based): chr10:20,845,277, A>G on the plus strand (T>C on the coding strand, the complement: NEBL is on the minus strand). VCF-style: chr10-20845277-A-G. GRCh37 (hg19) VCF-style: chr10-21134206-A-G.
Other names: c.250-32337T>C (NM_001377326.1, NM_001377327.1, NM_001377328.1); c.358-32337T>C (NM_213569.2, NM_001173484.2, NM_001377322.1); c.301-32337T>C (NM_001377324.1); c.292-32337T>C (NM_001377325.1); c.310-32337T>C (NM_001377323.1); short protein forms I403T.
Identifiers: ClinVar variation 645418 (VCV000645418.12), dbSNP rs766378863, ClinGen allele CA5432948.